The following is an entry in ClinVar:

NM_000051.4(ATM):c.8268+11G>A

Genes: ATM (ATM serine/threonine kinase; plus strand), C11orf65 (chromosome 11 open reading frame 65; minus strand). Cytogenetic location: 11q22.3.
Variant type: single nucleotide variant.
Coding change: c.8268+11G>A on transcript NM_000051.4 (MANE Select); 11 bases into the intron after coding-DNA position 8268, G replaced by A.
Molecular consequence: intron variant.
Genome position (GRCh38, 1-based): chr11:108,335,972, G>A. VCF-style: chr11-108335972-G-A. GRCh37 (hg19) VCF-style: chr11-108206699-G-A.
Other names: c.8268+11G>A (NM_001351834.2); c.641-26901C>T (NM_001330368.2); c.695-680C>T (NM_001351110.2).
Identifiers: ClinVar variation 511008 (VCV000511008.11), dbSNP rs769204788, ClinGen allele CA6266327.

ClinVar aggregate classification (germline): Likely benign. Review status: criteria provided, multiple submitters, no conflicts (2 of 4 stars). 3 submissions from 3 submitters: Likely benign (3). Last evaluated 2025-12-31.

Conditions:
Hereditary cancer-predisposing syndrome. Also called: Hereditary Cancer Syndrome; Neoplastic Syndromes, Hereditary; Tumor predisposition; Hereditary neoplastic syndrome. Identifiers: Orphanet 140162, MedGen C0027672, MeSH D009386, MONDO:0015356.
Ataxia-telangiectasia syndrome (AT). Also called: Cerebello-oculocutaneous telangiectasia; Immunodeficiency with ataxia telangiectasia; Ataxia-telangiectasia, complementation group E; Ataxia-telangiectasia, complementation group D; AT, COMPLEMENTATION GROUP C; ATAXIA-TELANGIECTASIA, COMPLEMENTATION GROUP A. Identifiers: Orphanet 100, MedGen C0004135, MONDO:0008840, OMIM 208900.

Allele frequency attached by ClinVar (database versions not stated): gnomAD exomes below 0.00001; gnomAD 0.00001; ExAC 0.00002.
gnomAD v4.1: 4 of 1,588,224 alleles (0.00025%); highest among the groups gnomAD compares: East Asian, 0.0022%; no homozygotes.

Submissions (3):

Labcorp Genetics (formerly Invitae), Labcorp
Classification: Likely benign for Ataxia-telangiectasia syndrome. Last evaluated: 2025-12-31. Review status: criteria provided, single submitter. Criteria: Invitae Variant Classification Sherloc (09022015). Collection method: clinical testing. Allele origin: germline.

Color Diagnostics, LLC DBA Color Health
Classification: Likely benign for Hereditary cancer-predisposing syndrome. Last evaluated: 2018-11-26. Review status: criteria provided, single submitter. Criteria: ACMG Guidelines, 2015. Collection method: clinical testing. Allele origin: germline.

GeneDx
Classification: Likely benign. Last evaluated: 2017-07-21. Review status: criteria provided, single submitter. Criteria: GeneDx Variant Classification (06012015). Collection method: clinical testing. Allele origin: germline. Affected: yes.
Comment: This variant is considered likely benign or benign based on one or more of the following criteria: it is a conservative change, it occurs at a poorly conserved position in the protein, it is predicted to be benign by multiple in silico algorithms, and/or has population frequency not consistent with disease.